The following is an entry in ClinVar:

NM_003722.5(TP63):c.1655T>G (p.Phe552Cys)

Gene: TP63 (tumor protein p63; plus strand). Cytogenetic location: 3q28.
Variant type: single nucleotide variant.
Coding change: c.1655T>G on transcript NM_003722.5 (MANE Select); coding-DNA position 1655, T replaced by G.
Protein change: p.Phe552Cys; replaces phenylalanine 552 with cysteine.
Molecular consequence: missense variant. On other transcripts: intron variant (6).
Genome position (GRCh38, 1-based): chr3:189,890,791, T>G. VCF-style: chr3-189890791-T-G. GRCh37 (hg19) VCF-style: chr3-189608580-T-G.
Other names: c.1373T>G, p.Phe458Cys (NM_001114980.2); c.1118T>G, p.Phe373Cys (NM_001329146.2); c.1643T>G, p.Phe548Cys (NM_001329148.2); c.1649T>G, p.Phe550Cys (NM_001329964.2); c.1652+1307T>G (NM_001114978.2); c.1508-3415T>G (NM_001329144.2); c.1370+1307T>G (NM_001114981.2); c.1226-3415T>G (NM_001329145.2); and 2 more; short protein forms F552C, F550C, F458C, F548C, F373C.
Identifiers: ClinVar variation 265277 (VCV000265277.6), dbSNP rs886039443, ClinGen allele CA10588354.

ClinVar aggregate classification (germline): Conflicting classifications of pathogenicity. Review status: criteria provided, conflicting classifications (1 of 4 stars). 2 submissions from 2 submitters: Likely pathogenic (1); Uncertain significance (1). Last evaluated 2020-08-27.

Conditions:
TP63-Related Spectrum Disorders.

Submissions (2):

Labcorp Genetics (formerly Invitae), Labcorp
Classification: Uncertain significance. Last evaluated: 2020-08-27. Review status: criteria provided, single submitter. Criteria: Invitae Variant Classification Sherloc (09022015). Collection method: clinical testing. Allele origin: germline.
Comment: In summary, the available evidence is currently insufficient to determine the role of this variant in disease. Therefore, it has been classified as a Variant of Uncertain Significance. This variant disrupts the p.Phe552 amino acid residue in TP63. Other variant(s) that disrupt this residue have been observed in individuals with TP63-related conditions (PMID: 19840326, 20491771), which suggests that this may be a clinically significant amino acid residue. Algorithms developed to predict the effect of missense changes on protein structure and function are either unavailable or do not agree on the potential impact of this missense change (SIFT: "Deleterious"; PolyPhen-2: "Probably Damaging"; Align-GVGD: "Class C0"). This variant has been observed in individual(s) with ankyloblepharon-ectodermal defects-cleft lip/palate (Invitae). ClinVar contains an entry for this variant (Variation ID: 265277). This variant is not present in population databases (ExAC no frequency). This sequence change replaces phenylalanine with cysteine at codon 552 of the TP63 protein (p.Phe552Cys). The phenylalanine residue is highly conserved and there is a large physicochemical difference between phenylalanine and cysteine.

GeneDx
Classification: Likely pathogenic. Last evaluated: 2016-07-22. Review status: criteria provided, single submitter. Criteria: GeneDx Variant Classification (06012015). Collection method: clinical testing. Allele origin: germline. Affected: yes.
Comment: p.F552C has not been published as a pathogenic variant, nor has it been reported as a benign variant to our knowledge. The variant was not observed in approximately 6,500 individuals of European and African American ancestry in the NHLBI Exome Sequencing Project, indicating it is not a common benign variant in these populations. F552C is a non-conservative amino acid substitution, which is likely to impact secondary protein structure as these residues differ in polarity, charge, size and/or other properties. This substitution occurs at a position within the SAM domain that is conserved across species; 82% of pathogenic variants associated with AEC syndrome are estimated to occur in the SAM domain (Sutton et al., 2015). In silico analysis predicts this variant is probably damaging to the protein structure/function. Additionally, variants in the F552 position are predicted to adversely affect the overall structure and stability of the protein (Sirico et al., 2014). Missense variants in the same residue (F552S) and in nearby residues (I549T, L553V/S/F, G557V) have been reported in the Human Gene Mutation Database in association with TP63-related disorders (Stenson et al., 2014), supporting the functional importance of this region of the protein. Therefore, this variant is likely pathogenic; however, the possibility that it is benign cannot be excluded.

Literature cited by the submitters: PubMed 19840326 (cited by Labcorp Genetics (formerly Invitae), Labcorp); PubMed 20491771 (cited by Labcorp Genetics (formerly Invitae), Labcorp).